The following is an entry in ClinVar:

NM_058216.3(RAD51C):c.340G>A (p.Gly114Arg)

Gene: RAD51C (RAD51 paralog C; plus strand). Cytogenetic location: 17q22.
Variant type: single nucleotide variant.
Coding change: c.340G>A on transcript NM_058216.3 (MANE Select); coding-DNA position 340, G replaced by A.
Protein change: p.Gly114Arg; replaces glycine 114 with arginine.
Molecular consequence: missense variant. On other transcripts: non-coding transcript variant (2).
Genome position (GRCh38, 1-based): chr17:58,695,125, G>A. VCF-style: chr17-58695125-G-A. GRCh37 (hg19) VCF-style: chr17-56772486-G-A.
Other names: c.340G>A, p.Gly114Arg (NM_002876.4); short protein forms G114R.
Identifiers: ClinVar variation 187382 (VCV000187382.28), dbSNP rs786203690, ClinGen allele CA197508.

ClinVar aggregate classification (germline): Conflicting classifications of pathogenicity. Review status: criteria provided, conflicting classifications (1 of 4 stars). 9 submissions from 9 submitters: Likely pathogenic (3); Uncertain significance (6). Last evaluated 2026-01-19.

Conditions:
RAD51C-related disorder. Also called: RAD51C-related condition; RAD51C-related disorders.
Hereditary cancer-predisposing syndrome. Also called: Neoplastic Syndromes, Hereditary; Tumor predisposition; Hereditary neoplastic syndrome; Hereditary Cancer Syndrome. Identifiers: Orphanet 140162, MedGen C0027672, MeSH D009386, MONDO:0015356.
Hereditary breast ovarian cancer syndrome. Also called: Hereditary breast and/or ovarian cancer syndrome; Hereditary breast and ovarian cancer syndrome; Hereditary breast and ovarian cancer; Hereditary breast and ovarian cancer syndrome (HBOC); Breast and ovarian cancer; BRCA1- and BRCA2-Associated Hereditary Breast and Ovarian Cancer. Identifiers: Orphanet 145, MedGen C0677776, MeSH D061325, MONDO:0003582. Disease mechanism: loss of function.
Breast-ovarian cancer, familial, susceptibility to, 3. Also called: RAD51C-Related Breast/Ovarian Cancer. Identifiers: Orphanet 145, MedGen C3150659, MONDO:0013253, OMIM 613399.
Fanconi anemia complementation group O. Also called: RAD51C-Related Fanconi Anemia. Identifiers: Orphanet 84, MedGen C3150653, MONDO:0013248, OMIM 613390.

Allele frequency attached by ClinVar (database versions not stated): gnomAD exomes below 0.00001; gnomAD 0.00001; TOPMed 0.00002.
gnomAD v4.1: 5 of 1,613,928 alleles (0.00031%); highest among the groups gnomAD compares: African/African-American, 0.004%; no homozygotes.

Submissions (9):

Labcorp Genetics (formerly Invitae), Labcorp
Classification: Uncertain significance for Fanconi anemia complementation group O. Last evaluated: 2026-01-19. Review status: criteria provided, single submitter. Criteria: Invitae Variant Classification Sherloc (09022015). Collection method: clinical testing. Allele origin: germline.
Comment: This sequence change replaces glycine, which is neutral and non-polar, with arginine, which is basic and polar, at codon 114 of the RAD51C protein (p.Gly114Arg). This variant is present in population databases (rs786203690, gnomAD 0.008%). This variant has not been reported in the literature in individuals affected with RAD51C-related conditions. ClinVar contains an entry for this variant (Variation ID: 187382). Invitae Evidence Modeling of protein sequence and biophysical properties (such as structural, functional, and spatial information, amino acid conservation, physicochemical variation, residue mobility, and thermodynamic stability) indicates that this missense variant is expected to disrupt RAD51C protein function with a positive predictive value of 80%. Experimental studies have shown that this missense change affects RAD51C function (PMID: 37253112). In summary, the available evidence is currently insufficient to determine the role of this variant in disease. Therefore, it has been classified as a Variant of Uncertain Significance.

PreventionGenetics, part of Exact Sciences
Classification: Uncertain significance for RAD51C-related condition. Last evaluated: 2026-01-02. Review status: criteria provided, single submitter. Criteria: ACMG Guidelines, 2015. Collection method: clinical testing. Allele origin: germline.
Comment: The RAD51C c.340G>A variant is predicted to result in the amino acid substitution p.Gly114Arg. To our knowledge, this variant has not been reported in the literature in affected individuals. However, in a functional study of variants of uncertain significance in RAD51C from public databases, p.Gly114Arg showed impaired activity in homology-directed repair (HDR) assays, conferred sensitivity to cisplatin and olaparib, and disrupted formation of protein complexes of RAD51C (Supplementary Tables 1-3, Hu et al. 2023. PubMed ID: 37253112). This variant has been reported in 0.0080% of alleles in individuals of African descent in gnomAD and has conflicting interpretations in ClinVar ranging from likely pathogenic to uncertain (Variation ID: 187382). At this time, the clinical significance of this variant is uncertain due to the absence of conclusive functional and genetic evidence.

Ambry Genetics
Classification: Likely pathogenic for Hereditary cancer-predisposing syndrome. Last evaluated: 2025-09-03. Review status: criteria provided, single submitter. Criteria: Ambry Variant Classification Scheme 2023. Collection method: clinical testing. Allele origin: germline.
Comment: The p.G114R variant (also known as c.340G>A), located in coding exon 2 of the RAD51C gene, results from a G to A substitution at nucleotide position 340. The glycine at codon 114 is replaced by arginine, an amino acid with dissimilar properties. In multiple assays testing RAD51C function, this alteration showed an abnormal read-out (Hu C et al. Cancer Res, 2023 Aug;83:2557-2571; Olvera-Le&oacute;n R et al Cell 2024 Oct;187(20):5719-5734.e19). This amino acid position is highly conserved in available vertebrate species. In addition, this alteration is predicted to be deleterious by in silico analysis. Based on the majority of available evidence to date, this variant is likely to be pathogenic.

German Consortium for Hereditary Breast and Ovarian Cancer, University Hospital Cologne
Classification: Likely pathogenic for Hereditary breast ovarian cancer syndrome. Last evaluated: 2025-08-12. Review status: criteria provided, single submitter. Criteria: ACMG Guidelines, 2015. Collection method: curation. Allele origin: germline.
Comment: This classification follows the ACMG SVI adaptation classification scheme; We chose these criteria: PS3 (strong pathogenic): Hu et al. damaging in all assays PMID: 37253112 , Olvera-León R (MAVE) fast depleted, (PMID: 39299233), PM2 (supporting pathogenic): GnomAD v4: FAF: 0,001064%; 5/1.613.928, PP3 (supporting pathogenic): REVEL: 0.855

Quest Diagnostics Nichols Institute San Juan Capistrano
Classification: Uncertain significance. Last evaluated: 2025-07-15. Review status: criteria provided, single submitter. Criteria: Quest Diagnostics criteria. Collection method: clinical testing. Allele origin: unknown.
Comment: The RAD51C c.340G>A (p.Gly114Arg) variant has not been reported in the published literature in individuals with RAD51C-related conditions. Functional studies demonstrated that this variant was damaging to protein function (PMID: 39299233 (2024), 37253112 (2023)). The frequency of this variant in the general population (Genome Aggregation Database) is uninformative in the assessment of its pathogenicity. Analysis of this variant using bioinformatics tools for the prediction of the effect of amino acid changes on protein structure and function yielded predictions that this variant is damaging. Based on the available information, we are unable to determine the clinical significance of this variant.

Myriad Genetics, Inc.
Classification: Likely pathogenic for Breast-ovarian cancer, familial, susceptibility to, 3. Last evaluated: 2024-11-27. Review status: criteria provided, single submitter. Criteria: Myriad Autosomal Dominant, Autosomal Recessive and X-Linked Classification Criteria (2023). Collection method: clinical testing. Allele origin: unknown.
Comment: This variant is considered likely pathogenic. Functional studies indicate this variant impacts protein function [PMID: 39299233, 37253112]. This variant is expected to disrupt protein structure [Myriad internal data].

GeneDx
Classification: Uncertain significance. Last evaluated: 2019-12-05. Review status: criteria provided, single submitter. Criteria: GeneDx Variant Classification Process June 2021. Collection method: clinical testing. Allele origin: germline. Affected: yes.
Comment: Not observed at a significant frequency in large population cohorts (Lek 2016); In silico analysis, which includes protein predictors and evolutionary conservation, supports a deleterious effect; Has not been previously published as pathogenic or benign to our knowledge

Color Diagnostics, LLC DBA Color Health
Classification: Uncertain significance for Hereditary cancer-predisposing syndrome. Last evaluated: 2019-02-11. Review status: criteria provided, single submitter. Criteria: ACMG Guidelines, 2015. Collection method: clinical testing. Allele origin: germline.

Women's Health and Genetics/Laboratory Corporation of America, LabCorp
Classification: Uncertain significance. Last evaluated: 2017-03-16. Review status: criteria provided, single submitter. Criteria: LabCorp Variant Classification Summary - May 2015. Collection method: clinical testing. Allele origin: germline.
Comment: Variant summary: The RAD51C c.340G>A (p.Gly114Arg) variant involves the alteration of a conserved nucleotide. 4/4 in silico tools predict a damaging outcome for this variant (SNPs&GO not captured due to low reliability index). This variant is absent in 120888 control chromosomes. In addition, one clinical diagnostic laboratory classified this variant as uncertain significance. The variant of interest has not, to our knowledge, been reported in affected individuals via publications; nor evaluated for functional impact by in vivo/vitro studies. Because of the absence of clinical information and the lack of functional studies, the variant is classified as a variant of uncertain significance (VUS) until additional information becomes available.

Literature cited by the submitters: PubMed 37253112 (cited by 4 submitters); PubMed 39299233 (cited by 3 submitters).